The following is an entry in ClinVar:

NM_002451.4(MTAP):c.*3916C>T

Gene: MTAP (methylthioadenosine phosphorylase; plus strand). Cytogenetic location: 9p21.3.
Variant type: single nucleotide variant.
Coding change: c.*3916C>T on transcript NM_002451.4 (MANE Select); 3916 bases downstream of the stop codon, C replaced by T.
Molecular consequence: 3 prime UTR variant.
Genome position (GRCh38, 1-based): chr9:21,865,930, C>T. VCF-style: chr9-21865930-C-T. GRCh37 (hg19) VCF-style: chr9-21865929-C-T.
Identifiers: ClinVar variation 366317 (VCV000366317.6), dbSNP rs80226037, ClinGen allele CA10627105.

ClinVar aggregate classification (germline): Benign. Review status: criteria provided, multiple submitters, no conflicts (2 of 4 stars). 2 submissions from 2 submitters: Benign (2). Last evaluated 2018-01-12.

Conditions:
Diaphyseal medullary stenosis-bone malignancy syndrome. Also called: MYOPATHY, LIMB-GIRDLE, WITH BONE FRAGILITY; BONE DYSPLASIA WITH MALIGNANT FIBROUS HISTIOCYTOMA; BONE DYSPLASIA WITH MEDULLARY FIBROSARCOMA. Identifiers: Orphanet 85182, MedGen C1862177, MONDO:0007205, OMIM 112250.

Allele frequency attached by ClinVar (database versions not stated): gnomAD 0.02842 and 0.02945; gnomAD exomes 0.03166; 1000 Genomes Project 30x 0.01093; 1000 Genomes Project 0.01098; TOPMed 0.02134.
gnomAD v4.1: 13,083 of 432,210 alleles (3%); highest among the groups gnomAD compares: Non-Finnish European, 3.4%; 273 homozygotes.

Submissions (2):

Illumina Laboratory Services, Illumina
Classification: Benign for Diaphyseal medullary stenosis-bone malignancy syndrome. Last evaluated: 2018-01-12. Review status: criteria provided, single submitter. Criteria: ICSL Variant Classification Criteria 13 December 2019. Collection method: clinical testing. Allele origin: germline.
Comment: This variant was observed in the ICSL laboratory as part of a predisposition screen in an ostensibly healthy population. It had not been previously curated by ICSL or reported in the Human Gene Mutation Database (HGMD: prior to June 1st, 2018), and was therefore a candidate for classification through an automated scoring system. Utilizing variant allele frequency, disease prevalence and penetrance estimates, and inheritance mode, an automated score was calculated to assess if this variant is too frequent to cause the disease. Based on the score and internal cut-off values, a variant classified as benign is not then subjected to further curation. The score for this variant resulted in a classification of benign for this disease.

Breakthrough Genomics
Classification: Benign. Review status: criteria provided, single submitter. Criteria: ACMG Guidelines, 2015. Collection method: not provided. Allele origin: germline. Inheritance: Autosomal dominant inheritance. Affected: yes.